The following is an entry in ClinVar:

NM_000093.5(COL5A1):c.5452A>G (p.Asn1818Asp)

Genes: COL5A1 (collagen type V alpha 1 chain; plus strand), LOC101448202 (uncharacterized LOC101448202; minus strand). Cytogenetic location: 9q34.3.
Variant type: single nucleotide variant.
Coding change: c.5452A>G on transcript NM_000093.5 (MANE Select); coding-DNA position 5452, A replaced by G.
Protein change: p.Asn1818Asp; replaces asparagine 1818 with aspartic acid.
Molecular consequence: missense variant.
Genome position (GRCh38, 1-based): chr9:134,842,238, A>G. VCF-style: chr9-134842238-A-G. GRCh37 (hg19) VCF-style: chr9-137734084-A-G.
Other names: c.5452A>G (NM_000093.3); c.5452A>G, p.Asn1818Asp (NM_001278074.1); short protein forms N1818D.
Identifiers: ClinVar variation 1378835 (VCV001378835.28), dbSNP rs1251114548, ClinGen allele CA375461969.

ClinVar aggregate classification (germline): Conflicting classifications of pathogenicity. Review status: criteria provided, conflicting classifications (1 of 4 stars). 3 submissions from 3 submitters: Uncertain significance (2); Likely benign (1). Last evaluated 2025-01-14.

Conditions:
Familial thoracic aortic aneurysm and aortic dissection (TAAD). Also called: Thoracic aortic aneurysms and dissections. Identifiers: Orphanet 91387, MedGen C4707243, MONDO:0019625.
Ehlers-Danlos syndrome, classic type, 1 (EDSCL1). Also called: EHLERS-DANLOS SYNDROME, GRAVIS TYPE; EHLERS-DANLOS SYNDROME, SEVERE CLASSIC TYPE; Ehlers-Danlos Syndrome, Classic Type, COL5A1-Related; Ehlers-Danlos syndrome, type 1; EDS I. Identifiers: MedGen C0268335, MONDO:0019567, OMIM 130000.

Allele frequency attached by ClinVar (database versions not stated): gnomAD exomes below 0.00001; gnomAD 0.00001.
gnomAD v4.1: 7 of 1,614,056 alleles (0.00043%); highest among the groups gnomAD compares: East Asian, 0.0022%; no homozygotes.

Submissions (3):

Ambry Genetics
Classification: Uncertain significance for Familial thoracic aortic aneurysm and aortic dissection. Last evaluated: 2025-01-14. Review status: criteria provided, single submitter. Criteria: Ambry Variant Classification Scheme 2023. Collection method: clinical testing. Allele origin: germline.
Comment: The p.N1818D variant (also known as c.5452A>G), located in coding exon 66 of the COL5A1 gene, results from an A to G substitution at nucleotide position 5452. The asparagine at codon 1818 is replaced by aspartic acid, an amino acid with highly similar properties. This amino acid position is well conserved in available vertebrate species. In addition, this alteration is predicted to be tolerated by in silico analysis. Based on the available evidence, the clinical significance of this variant remains unclear.

CeGaT Center for Human Genetics Tuebingen
Classification: Uncertain significance. Last evaluated: 2024-05-01. Review status: criteria provided, single submitter. Criteria: CeGaT Center For Human Genetics Tuebingen Variant Classification Criteria Version 2. Collection method: clinical testing. Allele origin: germline. Affected: yes. Observed: 1 variant allele.
Comment: COL5A1: PM2, BP4

Labcorp Genetics (formerly Invitae), Labcorp
Classification: Likely benign for Ehlers-Danlos syndrome, classic type, 1. Last evaluated: 2023-11-27. Review status: criteria provided, single submitter. Criteria: Invitae Variant Classification Sherloc (09022015). Collection method: clinical testing. Allele origin: germline.